The following is an entry in ClinVar:

NM_170707.4(LMNA):c.1826G>A (p.Gly609Glu)

Gene: LMNA (lamin A/C; plus strand). Cytogenetic location: 1q22.
Variant type: single nucleotide variant.
Coding change: c.1826G>A on transcript NM_170707.4 (MANE Select); coding-DNA position 1826, G replaced by A.
Protein change: p.Gly609Glu; replaces glycine 609 with glutamic acid.
Molecular consequence: missense variant. On other transcripts: intron variant (1).
Genome position (GRCh38, 1-based): chr1:156,138,615, G>A. VCF-style: chr1-156138615-G-A. GRCh37 (hg19) VCF-style: chr1-156108406-G-A.
Other names: c.1490G>A, p.Gly497Glu (NM_001406989.1, NM_001257374.3); c.1268G>A, p.Gly423Glu (NM_001406990.1, NM_001406993.1, NM_001406995.1 and 2 more transcripts); c.1826G>A, p.Gly609Glu (NM_001406991.1, NM_001406983.1, NM_001406985.1); c.1202G>A, p.Gly401Glu (NM_001406994.1, NM_001406999.1, NM_001407000.1 and 1 more transcripts); c.1736G>A, p.Gly579Glu (NM_170708.4); c.1818+8G>A (NM_001282626.2); c.1583G>A, p.Gly528Glu (NM_001406986.1, NM_001406987.1); c.1529G>A, p.Gly510Glu (NM_001406988.1); short protein forms G579E, G401E, G609E, G423E, G510E, G497E, G528E.
Identifiers: ClinVar variation 1780853 (VCV001780853.6), dbSNP rs1268650204, ClinGen allele CA342827119.

ClinVar aggregate classification (germline): Uncertain significance. Review status: criteria provided, multiple submitters, no conflicts (2 of 4 stars). 3 submissions from 3 submitters: Uncertain significance (3). Last evaluated 2024-07-30.

Conditions:
Cardiovascular phenotype. Identifiers: MedGen CN230736.
Charcot-Marie-Tooth disease type 2. Also called: Charcot-Marie-Tooth type 2. Identifiers: Orphanet 64746, MedGen C0270914, MONDO:0018993.
Primary dilated cardiomyopathy (DCM). Also called: Dilated Cardiomyopathy. Identifiers: Orphanet 217604, MedGen C0007193, MeSH D002311, MONDO:0005021, HP:0001644. Inheritance: Various modes of inheritance.

Allele frequency attached by ClinVar (database versions not stated): TOPMed 0.00001.
gnomAD v4.1: 3 of 1,613,064 alleles (0.00019%); highest among the groups gnomAD compares: African/African-American, 0.004%; no homozygotes.

Submissions (3):

Labcorp Genetics (formerly Invitae), Labcorp
Classification: Uncertain significance for Charcot-Marie-Tooth disease type 2. Last evaluated: 2024-07-30. Review status: criteria provided, single submitter. Criteria: Invitae Variant Classification Sherloc (09022015). Collection method: clinical testing. Allele origin: germline.
Comment: This sequence change replaces glycine, which is neutral and non-polar, with glutamic acid, which is acidic and polar, at codon 609 of the LMNA protein (p.Gly609Glu). This variant is not present in population databases (gnomAD no frequency). This variant has not been reported in the literature in individuals affected with LMNA-related conditions. ClinVar contains an entry for this variant (Variation ID: 1780853). Advanced modeling of protein sequence and biophysical properties (such as structural, functional, and spatial information, amino acid conservation, physicochemical variation, residue mobility, and thermodynamic stability) performed at Invitae indicates that this missense variant is expected to disrupt LMNA protein function with a positive predictive value of 95%. In summary, the available evidence is currently insufficient to determine the role of this variant in disease. Therefore, it has been classified as a Variant of Uncertain Significance.

All of Us Research Program, National Institutes of Health
Classification: Uncertain significance for Primary dilated cardiomyopathy. Last evaluated: 2024-05-14. Review status: criteria provided, single submitter. Criteria: ACMG Guidelines, 2015. Collection method: clinical testing. Allele origin: germline. Inheritance: Autosomal dominant inheritance. Observed: 1 variant allele, 1 heterozygote.
Comment: This missense variant replaces glycine with glutamic acid at codon 609 of the lamin A protein. Computational prediction suggests that this variant may not impact protein structure and function (internally defined REVEL score threshold <= 0.5, PMID: 27666373). To our knowledge, functional studies have not been reported for this variant. This variant has not been reported in individuals affected with LMNA-related disorders in the literature. This variant has not been identified in the general population by the Genome Aggregation Database (gnomAD). The available evidence is insufficient to determine the role of this variant in disease conclusively. Therefore, this variant is classified as a Variant of Uncertain Significance.

This study involves interpretation of variants in research participants for the purpose of population health screening. Participant phenotype was not available at the time of variant classification. Additional details can be found in publication PMID: 35346344, PMCID: PMC8962531

Ambry Genetics
Classification: Uncertain significance for Cardiovascular phenotype. Last evaluated: 2021-11-01. Review status: criteria provided, single submitter. Criteria: Ambry Variant Classification Scheme 2023. Collection method: clinical testing. Allele origin: germline.
Comment: The p.G609E variant (also known as c.1826G>A), located in coding exon 11 of the LMNA gene, results from a G to A substitution at nucleotide position 1826. The glycine at codon 609 is replaced by glutamic acid, an amino acid with similar properties. This amino acid position is well conserved in available vertebrate species. In addition, the in silico prediction for this alteration is inconclusive. Since supporting evidence is limited at this time, the clinical significance of this alteration remains unclear.